The following is an entry in ClinVar:

ClinVar aggregate classification (germline): Uncertain significance (1 of 4 stars; one submission).

gnomAD v4.1: 5 of 1,614,178 alleles (0.00031%); highest among the groups gnomAD compares: Non-Finnish European, 0.00042%; no homozygotes.

Submission:

Labcorp Genetics (formerly Invitae), Labcorp
Classification: Uncertain significance. Last evaluated: 2025-03-11. Review status: criteria provided, single submitter. Criteria: Invitae Variant Classification Sherloc (09022015). Collection method: clinical testing. Allele origin: germline.
Comment: This sequence change creates a premature translational stop signal (p.Arg618*) in the ARHGEF10 gene. It is expected to result in an absent or disrupted protein product. However, the current clinical and genetic evidence is not sufficient to establish whether loss-of-function variants in ARHGEF10 cause disease. This variant is present in population databases (rs756899414, gnomAD 0.0009%). This variant has not been reported in the literature in individuals affected with ARHGEF10-related conditions. Algorithms developed to predict the effect of sequence changes on RNA splicing suggest that this variant may disrupt the consensus splice site. In summary, the available evidence is currently insufficient to determine the role of this variant in disease. Therefore, it has been classified as a Variant of Uncertain Significance.

NM_014629.4(ARHGEF10):c.1852C>T (p.Arg618Ter)

Gene: ARHGEF10 (Rho guanine nucleotide exchange factor 10; plus strand). Cytogenetic location: 8p23.3.
Variant type: single nucleotide variant.
Coding change: c.1852C>T on transcript NM_014629.4 (MANE Select); coding-DNA position 1852, C replaced by T.
Protein change: p.Arg618Ter; replaces arginine 618 with a stop codon.
Molecular consequence: nonsense.
Genome position (GRCh38, 1-based): chr8:1,905,601, C>T. VCF-style: chr8-1905601-C-T. GRCh37 (hg19) VCF-style: chr8-1853767-C-T.
Other names: c.1738C>T, p.Arg580Ter (NM_001308152.2, NM_001438094.1); c.1852C>T, p.Arg618Ter (NM_001308153.3); c.1855C>T, p.Arg619Ter (NM_001438091.1); c.1735C>T, p.Arg579Ter (NM_001438092.1, NM_001438093.1); short protein forms R579*, R619*, R580*, R618*, R642*.
Identifiers: ClinVar variation 4767186 (VCV004767186.1).
Genomic context (GRCh38, chr8:1,905,601, plus strand): 5'-TGGTCCCTGGGCTGTGTTTTGAATGTCCAGCTTCTCAGCAGTGGAAGCCGATACCTCATT[C>T]GATCAGATGATATGATAGAAACAGTTTACAACGACAGAGGAGAGATTGTTAAAACCAAAG-3'